The following is an entry in ClinVar:

NM_032444.4(SLX4):c.4387G>A (p.Asp1463Asn)

Gene: SLX4 (SLX4 structure-specific endonuclease subunit; minus strand). Cytogenetic location: 16p13.3.
Variant type: single nucleotide variant.
Coding change: c.4387G>A on transcript NM_032444.4 (MANE Select); coding-DNA position 4387, G replaced by A.
Protein change: p.Asp1463Asn; replaces aspartic acid 1463 with asparagine.
Molecular consequence: missense variant.
Genome position (GRCh38, 1-based): chr16:3,589,251, C>T on the plus strand (G>A on the coding strand, the complement: SLX4 is on the minus strand). VCF-style: chr16-3589251-C-T. GRCh37 (hg19) VCF-style: chr16-3639252-C-T.
Other names: c.4387G>A (LRG_503t1); short protein forms D1463N.
Identifiers: ClinVar variation 456325 (VCV000456325.10), dbSNP rs779970904, ClinGen allele CA7865662.

ClinVar aggregate classification (germline): Uncertain significance. Review status: criteria provided, multiple submitters, no conflicts (2 of 4 stars). 2 submissions from 2 submitters: Uncertain significance (2). Last evaluated 2024-10-27.

Conditions:
Fanconi anemia complementation group P. Also called: SLX4-Related Fanconi Anemia. Identifiers: Orphanet 84, MedGen C3469542, MONDO:0013499, OMIM 613951.
Fanconi anemia (FA). Also called: Fanconi's anemia. Identifiers: Orphanet 84, MedGen C0015625, MeSH D005199, MONDO:0019391.

Allele frequency attached by ClinVar (database versions not stated): gnomAD exomes 0.00001 and 0.00002; TOPMed 0.00001; ExAC 0.00002; gnomAD 0.00002 and 0.00003.
gnomAD v4.1: 26 of 1,605,102 alleles (0.0016%); highest among the groups gnomAD compares: Non-Finnish European, 0.002%; no homozygotes.

Submissions (2):

Labcorp Genetics (formerly Invitae), Labcorp
Classification: Uncertain significance for Fanconi anemia. Last evaluated: 2024-10-27. Review status: criteria provided, single submitter. Criteria: Invitae Variant Classification Sherloc (09022015). Collection method: clinical testing. Allele origin: germline.
Comment: This sequence change replaces aspartic acid, which is acidic and polar, with asparagine, which is neutral and polar, at codon 1463 of the SLX4 protein (p.Asp1463Asn). This variant is present in population databases (rs779970904, gnomAD 0.004%). This variant has not been reported in the literature in individuals affected with SLX4-related conditions. ClinVar contains an entry for this variant (Variation ID: 456325). An algorithm developed to predict the effect of missense changes on protein structure and function outputs the following: PolyPhen-2: "Benign". The asparagine amino acid residue is found in multiple mammalian species, which suggests that this missense change does not adversely affect protein function. In summary, the available evidence is currently insufficient to determine the role of this variant in disease. Therefore, it has been classified as a Variant of Uncertain Significance.

Fulgent Genetics
Classification: Uncertain significance for Fanconi anemia complementation group P. Last evaluated: 2024-01-23. Review status: criteria provided, single submitter. Criteria: ACMG Guidelines, 2015. Collection method: clinical testing. Allele origin: germline.